The following is an entry in ClinVar:

NM_014915.3(ANKRD26):c.2155T>C (p.Cys719Arg)

Gene: ANKRD26 (ankyrin repeat domain containing 26; minus strand). Cytogenetic location: 10p12.1.
Variant type: single nucleotide variant.
Coding change: c.2155T>C on transcript NM_014915.3 (MANE Select); coding-DNA position 2155, T replaced by C.
Protein change: p.Cys719Arg; replaces cysteine 719 with arginine.
Molecular consequence: missense variant.
Genome position (GRCh38, 1-based): chr10:27,043,432, A>G on the plus strand (T>C on the coding strand, the complement: ANKRD26 is on the minus strand). VCF-style: chr10-27043432-A-G. GRCh37 (hg19) VCF-style: chr10-27332361-A-G.
Other names: c.2152T>C, p.Cys718Arg (NM_001256053.2); short protein forms C718R, C719R.
Identifiers: ClinVar variation 3869255 (VCV003869255.1).

ClinVar aggregate classification (germline): Uncertain significance (1 of 4 stars; one submission).

Conditions:
Inborn genetic diseases. Identifiers: MedGen C0950123, MeSH D030342.

Submission:

Ambry Genetics
Classification: Uncertain significance for Inborn genetic diseases. Last evaluated: 2024-12-14. Review status: criteria provided, single submitter. Criteria: Ambry Variant Classification Scheme 2023. Collection method: clinical testing. Allele origin: germline.
Comment: The p.C719R variant (also known as c.2155T>C), located in coding exon 20 of the ANKRD26 gene, results from a T to C substitution at nucleotide position 2155. The cysteine at codon 719 is replaced by arginine, an amino acid with highly dissimilar properties. This amino acid position is conserved. In addition, this alteration is predicted to be tolerated by in silico analysis. Based on the available evidence, the clinical significance of this variant remains unclear.